The following is an entry in ClinVar:

ClinVar aggregate classification (germline): Pathogenic (1 of 4 stars; one submission).

Submission:

Greenwood Genetic Center Diagnostic Laboratories, Greenwood Genetic Center
Classification: Pathogenic. Last evaluated: 2021-03-24. Review status: criteria provided, single submitter. Criteria: ACMG Guidelines, 2015. Collection method: clinical testing. Allele origin: germline. Affected: yes.
Comment: PVS1, PM2, PM6

NM_022455.5(NSD1):c.911C>A (p.Ser304Ter)

Gene: NSD1 (nuclear receptor binding SET domain protein 1; plus strand). Cytogenetic location: 5q35.3.
Variant type: single nucleotide variant.
Coding change: c.911C>A on transcript NM_022455.5 (MANE Select); coding-DNA position 911, C replaced by A.
Protein change: p.Ser304Ter; replaces serine 304 with a stop codon.
Molecular consequence: nonsense.
Genome position (GRCh38, 1-based): chr5:177,136,014, C>A. VCF-style: chr5-177136014-C-A. GRCh37 (hg19) VCF-style: chr5-176563015-C-A.
Other names: c.38C>A, p.Ser13Ter (NM_001365684.2, NM_001409305.1, NM_001409306.1 and 4 more transcripts); c.911C>A, p.Ser304Ter (NM_001409301.1, NM_001409302.1, NM_001409303.1); c.491C>A, p.Ser164Ter (NM_001409304.1); short protein forms S304*, S35*, S164*, S13*.
Identifiers: ClinVar variation 1331627 (VCV001331627.4), dbSNP rs2149757179, ClinGen allele CA362296434.